The following is an entry in ClinVar:

NM_000939.4(POMC):c.260del (p.Phe87fs)

Gene: POMC (proopiomelanocortin; minus strand). Cytogenetic location: 2p23.3.
Variant type: Deletion.
Coding change: c.260del on transcript NM_000939.4 (MANE Select); coding-DNA position 260, one base deleted (T; older notation c.260delT).
Protein change: p.Phe87fs; shifts the reading frame from phenylalanine 87.
Molecular consequence: frameshift variant.
Genome position (GRCh38, 1-based): chr2:25,161,625, A deleted on the plus strand (T on the coding strand, the reverse complement: POMC is on the minus strand); the first of 2 consecutive A bases (chr2:25,161,625-25,161,626); deleting either gives the same sequence. VCF-style (leftmost placement, unchanged base first): chr2-25161624-GA-G. GRCh37 (hg19) VCF-style: chr2-25384493-GA-G.
Other names: c.260del, p.Phe87fs (NM_001035256.3, NM_001319204.2, NM_001319205.2); c.260del (NM_001035256.1); short protein forms F87fs.
Identifiers: ClinVar variation 3043528 (VCV003043528.4), dbSNP rs1224617366, ClinGen allele CA767173724.

ClinVar aggregate classification (germline): Conflicting classifications of pathogenicity. Review status: criteria provided, conflicting classifications (1 of 4 stars). 2 submissions from 2 submitters: Likely pathogenic (1); Uncertain significance (1). Last evaluated 2026-06-11.

Conditions:
POMC-related disorder. Also called: POMC-related condition; POMC-related disorders.

Submissions (2):

PreventionGenetics, part of Exact Sciences
Classification: Likely pathogenic for POMC-related condition. Last evaluated: 2026-06-11. Review status: criteria provided, single submitter. Criteria: ACMG Guidelines, 2015. Collection method: clinical testing. Allele origin: germline.
Comment: The POMC c.260delT variant is predicted to result in a frameshift and premature protein termination (p.Phe87Serfs*71). To our knowledge, this variant has not been reported in the literature or in a large population database (gnomAD), indicating this variant is rare. Frameshift variants in POMC are expected to be pathogenic. This variant is interpreted as likely pathogenic.

GeneDx
Classification: Uncertain significance. Last evaluated: 2025-01-21. Review status: criteria provided, single submitter. Criteria: GeneDx Variant Classification Process June 2021. Collection method: clinical testing. Allele origin: germline. Affected: yes.
Comment: Not observed at significant frequency in large population cohorts (gnomAD); Frameshift variant predicted to result in abnormal protein length as the last 181 amino acids are replaced with 70 different amino acids; Has not been previously published as pathogenic or benign to our knowledge